The following is an entry in ClinVar:

ClinVar aggregate classification (germline): Conflicting classifications of pathogenicity. Review status: criteria provided, conflicting classifications (1 of 4 stars). 2 submissions from 2 submitters: Uncertain significance (1); Likely benign (1). Last evaluated 2024-12-16.

gnomAD v4.1: 161 of 714,280 alleles (0.023%); highest among the groups gnomAD compares: East Asian, 0.42%; no homozygotes.

Submissions (2):

GeneDx
Classification: Uncertain significance. Last evaluated: 2024-12-16. Review status: criteria provided, single submitter. Criteria: GeneDx Variant Classification Process June 2021. Collection method: clinical testing. Allele origin: germline. Affected: yes.
Comment: In silico analysis does not support a benign or deleterious effect of this variant on protein structure/function; Reported using an alternate transcript of the gene; Has not been previously published as pathogenic or benign to our knowledge

Blueprint Genetics
Classification: Likely benign. Last evaluated: 2024-09-05. Review status: criteria provided, single submitter. Criteria: ACMG Guidelines, 2015. Collection method: clinical testing. Allele origin: germline.

NM_001368894.2(PAX6):c.1074+167G>A

Gene: PAX6 (paired box 6; minus strand). Cytogenetic location: 11p13.
Variant type: single nucleotide variant.
Coding change: c.1074+167G>A on transcript NM_001368894.2 (MANE Select); 167 bases into the intron after coding-DNA position 1074, G replaced by A.
Molecular consequence: intron variant. On other transcripts: missense variant (1).
Genome position (GRCh38, 1-based): chr11:31,793,271, C>T on the plus strand (G>A on the coding strand, the complement: PAX6 is on the minus strand). VCF-style: chr11-31793271-C-T. GRCh37 (hg19) VCF-style: chr11-31814819-C-T.
Other names: c.1199G>A, p.Ser400Asn (NM_001310159.1); c.1032+167G>A (NM_001127612.3, NM_001368890.2, NM_001368888.2 and 9 more transcripts); c.873+167G>A (NM_001368921.2, NM_001368923.2, NM_001368926.2 and 4 more transcripts); c.1074+167G>A (NM_001258462.3, NM_001310158.2, NM_001258463.2 and 6 more transcripts); c.1149+167G>A (NM_001368919.2, NM_001368918.2); c.1275+167G>A (NM_001368910.2); c.624+167G>A (NM_001368909.2, NM_001368904.2, NM_001368905.2 and 11 more transcripts); c.1077+167G>A (NM_001368911.2); and 3 more; short protein forms S400N.
Identifiers: ClinVar variation 3903099 (VCV003903099.2).